The following is an entry in ClinVar:

NM_152393.4(KLHL40):c.1407C>T (p.Gly469=)

Gene: KLHL40 (kelch like family member 40; plus strand). Cytogenetic location: 3p22.1.
Variant type: single nucleotide variant.
Coding change: c.1407C>T on transcript NM_152393.4 (MANE Select); coding-DNA position 1407, C replaced by T.
Protein change: p.Gly469=; no amino-acid change (glycine 469 retained).
Molecular consequence: synonymous variant.
Genome position (GRCh38, 1-based): chr3:42,688,703, C>T. VCF-style: chr3-42688703-C-T. GRCh37 (hg19) VCF-style: chr3-42730195-C-T.
Identifiers: ClinVar variation 1058557 (VCV001058557.1), dbSNP rs1575220363, ClinGen allele CA433212484.

ClinVar aggregate classification (germline): Uncertain significance (1 of 4 stars; one submission).

Conditions:
Nemaline myopathy 8 (NEM8). Also called: Nemaline myopathy 8, autosomal recessive. Identifiers: Orphanet 171430, MedGen C3809209, MONDO:0014138, OMIM 615348.

Submission:

Labcorp Genetics (formerly Invitae), Labcorp
Classification: Uncertain significance for Nemaline myopathy 8. Last evaluated: 2018-05-15. Review status: criteria provided, single submitter. Criteria: Invitae Variant Classification Sherloc (09022015). Collection method: clinical testing. Allele origin: germline.
Comment: This sequence change affects codon 469 of the KLHL40 mRNA. It is a 'silent' change, meaning that it does not change the encoded amino acid sequence of the KLHL40 protein. This variant is not present in population databases (ExAC no frequency). This variant has not been reported in the literature in individuals with KLHL40-related disease. Algorithms developed to predict the effect of sequence changes on RNA splicing suggest that this variant may create or strengthen a splice site, but this prediction has not been confirmed by published transcriptional studies. In summary, the available evidence is currently insufficient to determine the role of this variant in disease. Therefore, it has been classified as a Variant of Uncertain Significance.